The following is an entry in ClinVar:

ClinVar aggregate classification (germline): Uncertain significance (1 of 4 stars; one submission).

Conditions:
Bethlem myopathy 1A. Also called: Bethlem Muscular Dystrophy; Bethlem myopathy 1; MYOPATHY, BENIGN CONGENITAL, WITH CONTRACTURES. Identifiers: Orphanet 610, MedGen CN029274, MONDO:0024530, OMIM 158810.

Submission:

Labcorp Genetics (formerly Invitae), Labcorp
Classification: Uncertain significance for Bethlem myopathy 1A. Last evaluated: 2018-07-25. Review status: criteria provided, single submitter. Criteria: Invitae Variant Classification Sherloc (09022015). Collection method: clinical testing. Allele origin: germline.
Comment: In summary, the available evidence is currently insufficient to determine the role of this variant in disease. Therefore, it has been classified as a Variant of Uncertain Significance. Algorithms developed to predict the effect of missense changes on protein structure and function are either unavailable or do not agree on the potential impact of this missense change (SIFT: "Deleterious"; PolyPhen-2: "Not Available"; Align-GVGD: "Class C0"). This variant has not been reported in the literature in individuals with COL6A1-related disease. This variant is not present in population databases (ExAC no frequency). This sequence change replaces lysine with asparagine at codon 125 of the COL6A1 protein (p.Lys125Asn). The lysine residue is highly conserved and there is a moderate physicochemical difference between lysine and asparagine.

NM_001848.3(COL6A1):c.375G>C (p.Lys125Asn)

Gene: COL6A1 (collagen type VI alpha 1 chain; plus strand). Cytogenetic location: 21q22.3.
Variant type: single nucleotide variant.
Coding change: c.375G>C on transcript NM_001848.3 (MANE Select); coding-DNA position 375, G replaced by C.
Protein change: p.Lys125Asn; replaces lysine 125 with asparagine.
Molecular consequence: missense variant.
Genome position (GRCh38, 1-based): chr21:45,984,416, G>C. VCF-style: chr21-45984416-G-C. GRCh37 (hg19) VCF-style: chr21-47404330-G-C.
Other names: short protein forms K125N.
Identifiers: ClinVar variation 640152 (VCV000640152.9), dbSNP rs1603589594, ClinGen allele CA410516244.
Genomic context (GRCh38, chr21:45,984,416, plus strand): 5'-CATGCCTGGCGGCCGCGACGCACTCAAAAGCAGCGTGGACGCGGTCAAGTACTTTGGGAA[G>C]GGCACCTACACCGACTGCGCTATCAAGAAGGGGCTGGAGCAGCTCCTCGTGGGGTGAGTG-3'
Protein context (NP_001839.2, residues 115-135): SSVDAVKYFG[Lys125Asn]GTYTDCAIKK